The following is an entry in ClinVar:

NM_015559.3(SETBP1):c.2875_2876delinsAT (p.Glu959Met)

Gene: SETBP1 (SET binding protein 1; plus strand). Cytogenetic location: 18q12.3.
Variant type: Indel.
Coding change: c.2875_2876delinsAT on transcript NM_015559.3 (MANE Select); coding-DNA positions 2875 to 2876, GA replaced by AT.
Protein change: p.Glu959Met; replaces glutamic acid 959 with methionine.
Molecular consequence: missense variant.
Genome position (GRCh38, 1-based): chr18:44,952,215-44,952,216, GA replaced by AT. VCF-style: chr18-44952215-GA-AT. GRCh37 (hg19) VCF-style: chr18-42532180-GA-AT.
Other names: c.2875_2876delinsAT, p.Glu959Met (NM_001379141.1, NM_001379142.1, NM_001410862.1); short protein forms E959M.
Identifiers: ClinVar variation 4773028 (VCV004773028.1).

ClinVar aggregate classification (germline): Uncertain significance (1 of 4 stars; one submission).

Submission:

Labcorp Genetics (formerly Invitae), Labcorp
Classification: Uncertain significance. Last evaluated: 2025-11-10. Review status: criteria provided, single submitter. Criteria: Invitae Variant Classification Sherloc (09022015). Collection method: clinical testing. Allele origin: germline.
Comment: This sequence change replaces glutamic acid, which is acidic and polar, with methionine, which is neutral and non-polar, at codon 959 of the SETBP1 protein (p.Glu959Met). Information on the frequency of this variant in the gnomAD database is not available, as this variant may be reported differently in the database. This variant has not been reported in the literature in individuals affected with SETBP1-related conditions. An algorithm developed to predict the effect of missense changes on protein structure and function (PolyPhen-2) suggests that this variant is likely to be disruptive. In summary, the available evidence is currently insufficient to determine the role of this variant in disease. Therefore, it has been classified as a Variant of Uncertain Significance.